The following is an entry in ClinVar:

ClinVar aggregate classification (germline): Conflicting classifications of pathogenicity. Review status: criteria provided, conflicting classifications (1 of 4 stars). 9 submissions from 9 submitters: Uncertain significance (1); Benign (1); Likely benign (7). Last evaluated 2025-12-01.

Conditions:
Familial thoracic aortic aneurysm and aortic dissection (TAAD). Also called: Thoracic aortic aneurysms and dissections. Identifiers: Orphanet 91387, MedGen C4707243, MONDO:0019625.
Aortic aneurysm, familial thoracic 4 (AAT4). Also called: AORTIC ANEURYSM/AORTIC DISSECTION AND PATENT DUCTUS ARTERIOSUS. Identifiers: MedGen C1851504, MONDO:0007568, OMIM 132900.

Allele frequency attached by ClinVar (database versions not stated): ExAC 0.00010; gnomAD 0.00010; TOPMed 0.00010; gnomAD exomes 0.00014; 1000 Genomes Project 30x 0.00016; 1000 Genomes Project 0.00020.
gnomAD v4.1: 225 of 1,613,712 alleles (0.014%); highest among the groups gnomAD compares: Non-Finnish European, 0.016%; no homozygotes.

Submissions (9):

Labcorp Genetics (formerly Invitae), Labcorp
Classification: Likely benign for Aortic aneurysm, familial thoracic 4. Last evaluated: 2025-12-01. Review status: criteria provided, single submitter. Criteria: Invitae Variant Classification Sherloc (09022015). Collection method: clinical testing. Allele origin: germline.

GeneDx
Classification: Uncertain significance. Last evaluated: 2025-09-23. Review status: criteria provided, single submitter. Criteria: GeneDx Variant Classification Process June 2021. Collection method: clinical testing. Allele origin: germline. Affected: yes.
Comment: In silico analysis suggests this variant may impact gene splicing. In the absence of RNA/functional studies, the actual effect of this sequence change is unknown.; Has not been previously published as pathogenic or benign in association with an MYH11-related disorder to our knowledge; This variant is associated with the following publications: (PMID: 35982159, 30122538)

Blueprint Genetics
Classification: Likely benign. Last evaluated: 2024-11-12. Review status: criteria provided, single submitter. Criteria: ACMG Guidelines, 2015. Collection method: clinical testing. Allele origin: germline.

Women's Health and Genetics/Laboratory Corporation of America, LabCorp
Classification: Benign. Last evaluated: 2024-06-10. Review status: criteria provided, single submitter. Criteria: LabCorp Variant Classification Summary - May 2015. Collection method: clinical testing. Allele origin: germline.

All of Us Research Program, National Institutes of Health
Classification: Likely benign for Familial thoracic aortic aneurysm and aortic dissection. Last evaluated: 2023-12-18. Review status: criteria provided, single submitter. Criteria: ACMG Guidelines, 2015. Collection method: clinical testing. Allele origin: germline. Inheritance: Autosomal dominant inheritance. Observed: 34 variant alleles, 34 heterozygotes.
Comment: This study involves interpretation of variants in research participants for the purpose of population health screening. Participant phenotype was not available at the time of variant classification. Additional details can be found in publication PMID: 35346344, PMCID: PMC8962531

CHEO Genetics Diagnostic Laboratory, Children's Hospital of Eastern Ontario
Classification: Likely benign for Familial thoracic aortic aneurysm and aortic dissection. Last evaluated: 2019-01-17. Review status: criteria provided, single submitter. Criteria: ACMG Guidelines, 2015. Collection method: clinical testing. Allele origin: germline.

Color Diagnostics, LLC DBA Color Health
Classification: Likely benign for Familial thoracic aortic aneurysm and aortic dissection. Last evaluated: 2018-10-16. Review status: criteria provided, single submitter. Criteria: ACMG Guidelines, 2015. Collection method: clinical testing. Allele origin: germline.

Ambry Genetics
Classification: Likely benign for Familial thoracic aortic aneurysm and aortic dissection. Last evaluated: 2018-04-16. Review status: criteria provided, single submitter. Criteria: Ambry Variant Classification Scheme 2023. Collection method: clinical testing. Allele origin: germline.

Breakthrough Genomics
Classification: Likely benign. Review status: criteria provided, single submitter. Criteria: ACMG Guidelines, 2015. Collection method: not provided. Allele origin: germline. Inheritance: Autosomal recessive inheritance. Affected: yes.

NM_002474.3(MYH11):c.2658C>T (p.Thr886=)

Gene: MYH11 (myosin heavy chain 11; minus strand). Cytogenetic location: 16p13.11.
Variant type: single nucleotide variant.
Coding change: c.2658C>T on transcript NM_002474.3 (MANE Select); coding-DNA position 2658, C replaced by T.
Protein change: p.Thr886=; no amino-acid change (threonine 886 retained).
Molecular consequence: synonymous variant.
Genome position (GRCh38, 1-based): chr16:15,741,664, G>A on the plus strand (C>T on the coding strand, the complement: MYH11 is on the minus strand). VCF-style: chr16-15741664-G-A. GRCh37 (hg19) VCF-style: chr16-15835521-G-A.
Other names: c.2679C>T, p.Thr893= (NM_001040113.2, NM_001040114.2); c.2658C>T, p.Thr886= (NM_022844.3).
Identifiers: ClinVar variation 516339 (VCV000516339.23), dbSNP rs199587784, ClinGen allele CA7922187.
Genomic context (GRCh38, chr16:15,741,664, plus strand): 5'-AGCCTCTGCATACAGCTCTGTCTCTGCCTGCAGCTGTTCCTGTAGCAGGTTCTTCTCCTC[G>A]GTCAGCTGCACGCAGGTGGTGGGGAGGAGGCGGGTGAGCCCCACGGGGCCAAGTCCTGTT-3'
Protein context (NP_002465.1, residues 876-896): KELEQKHSQL[Thr886=]EEKNLLQEQL